The following is an entry in ClinVar:

ClinVar aggregate classification (germline): Uncertain significance (1 of 4 stars; one submission).

Conditions:
Retinitis pigmentosa 12 (RP12). Also called: RP WITH OR WITHOUT PPRPE; RP WITH OR WITHOUT PRESERVED PARAARTERIOLE RETINAL PIGMENT EPITHELIUM; RETINITIS PIGMENTOSA WITH OR WITHOUT PARAARTERIOLAR PRESERVATION OF RETINAL PIGMENT EPITHELIUM. Identifiers: Orphanet 791, MedGen C1838647, MONDO:0010818, OMIM 600105.
Leber congenital amaurosis 8 (LCA8). Identifiers: Orphanet 65, MedGen C3151202, MONDO:0013453, OMIM 613835.

Submission:

Labcorp Genetics (formerly Invitae), Labcorp
Classification: Uncertain significance for Leber congenital amaurosis 8; Retinitis pigmentosa 12. Last evaluated: 2021-08-26. Review status: criteria provided, single submitter. Criteria: Invitae Variant Classification Sherloc (09022015). Collection method: clinical testing. Allele origin: germline.
Comment: This sequence change replaces arginine with methionine at codon 513 of the CRB1 protein (p.Arg513Met). The arginine residue is highly conserved and there is a moderate physicochemical difference between arginine and methionine. This variant is not present in population databases (ExAC no frequency). This variant has not been reported in the literature in individuals affected with CRB1-related conditions. Algorithms developed to predict the effect of missense changes on protein structure and function are either unavailable or do not agree on the potential impact of this missense change (SIFT: "Deleterious"; PolyPhen-2: "Possibly Damaging"; Align-GVGD: "Class C0"). In summary, the available evidence is currently insufficient to determine the role of this variant in disease. Therefore, it has been classified as a Variant of Uncertain Significance.

NM_201253.3(CRB1):c.1538G>T (p.Arg513Met)

Gene: CRB1 (crumbs cell polarity complex component 1; plus strand). Cytogenetic location: 1q31.3.
Variant type: single nucleotide variant.
Coding change: c.1538G>T on transcript NM_201253.3 (MANE Select); coding-DNA position 1538, G replaced by T.
Protein change: p.Arg513Met; replaces arginine 513 with methionine.
Molecular consequence: missense variant. On other transcripts: non-coding transcript variant (2).
Genome position (GRCh38, 1-based): chr1:197,421,366, G>T. VCF-style: chr1-197421366-G-T. GRCh37 (hg19) VCF-style: chr1-197390496-G-T.
Other names: c.1202G>T, p.Arg401Met (NM_001193640.2); c.1331G>T, p.Arg444Met (NM_001257965.2); c.1538G>T, p.Arg513Met (NM_001257966.2); short protein forms R444M, R513M, R401M.
Identifiers: ClinVar variation 1430165 (VCV001430165.5), dbSNP rs1571523673, ClinGen allele CA344031373.